The following is an entry in ClinVar:

ClinVar aggregate classification (germline): Uncertain significance (1 of 4 stars; one submission).

Submission:

GeneDx
Classification: Uncertain significance. Last evaluated: 2016-12-02. Review status: criteria provided, single submitter. Criteria: GeneDx Variant Classification (06012015). Collection method: clinical testing. Allele origin: germline. Affected: yes.
Comment: The P542R variant in the MYH3 gene has not been reported previously as a pathogenic variant, nor as a benign variant, to our knowledge. The P542R variant was not observed in approximately 6500 individuals of European and African American ancestry in the NHLBI Exome Sequencing Project, indicating it is not a common benign variant in these populations. The P542R variant is a non-conservative amino acid substitution, which is likely to impact secondary protein structure as these residues differ in polarity, charge, size and/or other properties. This substitution occurs at a position that is conserved across species. In silico analysis predicts this variant is probably damaging to the protein structure/function. We interpret P542R as a variant of uncertain significance.

NM_002470.4(MYH3):c.1625C>G (p.Pro542Arg)

Gene: MYH3 (myosin heavy chain 3; minus strand). Cytogenetic location: 17p13.1.
Variant type: single nucleotide variant.
Coding change: c.1625C>G on transcript NM_002470.4 (MANE Select); coding-DNA position 1625, C replaced by G.
Protein change: p.Pro542Arg; replaces proline 542 with arginine.
Molecular consequence: missense variant.
Genome position (GRCh38, 1-based): chr17:10,642,680, G>C on the plus strand (C>G on the coding strand, the complement: MYH3 is on the minus strand). VCF-style: chr17-10642680-G-C. GRCh37 (hg19) VCF-style: chr17-10545997-G-C.
Other names: short protein forms P542R.
Identifiers: ClinVar variation 373372 (VCV000373372.1), dbSNP rs1057518378, ClinGen allele CA16043010.